The following is an entry in ClinVar:

ClinVar aggregate classification (germline): Uncertain significance (0 of 4 stars; one submission).

Conditions:
PLXNA2-related disorder. Also called: PLXNA2-related condition.

gnomAD v4.1: 5 of 1,613,592 alleles (0.00031%); highest among the groups gnomAD compares: African/African-American, 0.0013%; no homozygotes.

Submission:

PreventionGenetics, part of Exact Sciences
Classification: Uncertain significance for PLXNA2-related condition. Last evaluated: 2024-04-30. Review status: no assertion criteria provided. Collection method: clinical testing. Allele origin: germline.
Comment: The PLXNA2 c.2952C>A variant is predicted to result in the amino acid substitution p.Ser984Arg. To our knowledge, this variant has not been reported in the literature. This variant is reported in 0.0062% of alleles in individuals of African descent in gnomAD. At this time, the clinical significance of this variant is uncertain due to the absence of conclusive functional and genetic evidence.

NM_025179.4(PLXNA2):c.2952C>A (p.Ser984Arg)

Gene: PLXNA2 (plexin A2; minus strand). Cytogenetic location: 1q32.2.
Variant type: single nucleotide variant.
Coding change: c.2952C>A on transcript NM_025179.4 (MANE Select); coding-DNA position 2952, C replaced by A.
Protein change: p.Ser984Arg; replaces serine 984 with arginine.
Molecular consequence: missense variant.
Genome position (GRCh38, 1-based): chr1:208,052,368, G>T on the plus strand (C>A on the coding strand, the complement: PLXNA2 is on the minus strand). VCF-style: chr1-208052368-G-T. GRCh37 (hg19) VCF-style: chr1-208225713-G-T.
Other names: short protein forms S984R.
Identifiers: ClinVar variation 3353264 (VCV003353264.1).